The following is an entry in ClinVar:

ClinVar aggregate classification (germline): Likely benign (1 of 4 stars; one submission).

Allele frequency attached by ClinVar (database versions not stated): ExAC 0.00039; 1000 Genomes Project 0.00080; 1000 Genomes Project 30x 0.00390.

Submission:

CeGaT Center for Human Genetics Tuebingen
Classification: Likely benign. Last evaluated: 2024-05-01. Review status: criteria provided, single submitter. Criteria: CeGaT Center For Human Genetics Tuebingen Variant Classification Criteria Version 2. Collection method: clinical testing. Allele origin: germline. Affected: yes. Observed: 2 variant alleles.
Comment: AHNAK2: BP4, BS1

NM_138420.4(AHNAK2):c.5730T>G (p.Asp1910Glu)

Gene: AHNAK2 (AHNAK nucleoprotein 2; minus strand). Cytogenetic location: 14q32.33.
Variant type: single nucleotide variant.
Coding change: c.5730T>G on transcript NM_138420.4 (MANE Select); coding-DNA position 5730, T replaced by G.
Protein change: p.Asp1910Glu; replaces aspartic acid 1910 with glutamic acid.
Molecular consequence: missense variant.
Genome position (GRCh38, 1-based): chr14:104,949,721, A>C on the plus strand (T>G on the coding strand, the complement: AHNAK2 is on the minus strand). VCF-style: chr14-104949721-A-C. GRCh37 (hg19) VCF-style: chr14-105416058-A-C.
Other names: c.5430T>G, p.Asp1810Glu (NM_001350929.2); short protein forms D1810E, D1910E.
Identifiers: ClinVar variation 2644778 (VCV002644778.24), dbSNP rs200915364, ClinGen allele CA7381545.